The following is an entry in ClinVar:

ClinVar aggregate classification (germline): Uncertain significance. Review status: criteria provided, multiple submitters, no conflicts (2 of 4 stars). 4 submissions from 3 submitters: Uncertain significance (3). 1 of the submissions does not count toward it. Last evaluated 2023-11-04.

Conditions:
Retinitis pigmentosa 39 (RP39). Identifiers: Orphanet 791, MedGen C3151138, MONDO:0013436, OMIM 613809.
Usher syndrome type 2A. Also called: RETINAL DISEASE IN USHER SYNDROME TYPE IIA, MODIFIER OF; USHER SYNDROME, TYPE IIA. Identifiers: Orphanet 231178, Orphanet 886, MedGen C1848634, MONDO:0010169, OMIM 276901.

Submissions (4):

Genome-Nilou Lab
Classification: Uncertain significance for Retinitis pigmentosa 39. Last evaluated: 2023-11-04. Review status: criteria provided, single submitter. Criteria: ACMG Guidelines, 2015. Collection method: clinical testing. Allele origin: germline. Affected: no.

Genome-Nilou Lab
Classification: Uncertain significance for Usher syndrome type 2A. Last evaluated: 2023-11-04. Review status: criteria provided, single submitter. Criteria: ACMG Guidelines, 2015. Collection method: clinical testing. Allele origin: germline. Affected: no.

Labcorp Genetics (formerly Invitae), Labcorp
Classification: Uncertain significance. Last evaluated: 2022-08-23. Review status: criteria provided, single submitter. Criteria: Invitae Variant Classification Sherloc (09022015). Collection method: clinical testing. Allele origin: germline.
Comment: This variant, c.313_321del, results in the deletion of 3 amino acid(s) of the USH2A protein (p.Leu105_Ser107del), but otherwise preserves the integrity of the reading frame. This variant is present in population databases (no rsID available, gnomAD 0.006%). This variant has not been reported in the literature in individuals affected with USH2A-related conditions. ClinVar contains an entry for this variant (Variation ID: 555694). Experimental studies and prediction algorithms are not available or were not evaluated, and the functional significance of this variant is currently unknown. In summary, the available evidence is currently insufficient to determine the role of this variant in disease. Therefore, it has been classified as a Variant of Uncertain Significance.

Counsyl
Classification: Uncertain significance for Usher syndrome type 2A; Retinitis pigmentosa 39. Last evaluated: 2017-12-27. Review status: no assertion criteria provided. Collection method: clinical testing. Allele origin: unknown. Not counted in ClinVar's aggregate classification.

NM_206933.4(USH2A):c.313_321del (p.Leu105_Ser107del)

Gene: USH2A (usherin; minus strand). Cytogenetic location: 1q41.
Variant type: Deletion.
Coding change: c.313_321del on transcript NM_206933.4 (MANE Select); coding-DNA positions 313 to 321, 9 bases deleted (CTCAGTAGC; older notation c.313_321delCTCAGTAGC).
Protein change: p.Leu105_Ser107del.
Molecular consequence: inframe deletion.
Genome position (GRCh38, 1-based): chr1:216,422,016-216,422,024, GCTACTGAG deleted on the plus strand (CTCAGTAGC on the coding strand, the reverse complement: USH2A is on the minus strand); deleting any 9 consecutive bases within chr1:216,422,016-216,422,026 gives the same sequence; the c. name uses the placement nearest the transcript's 3' end. VCF-style (leftmost placement, unchanged base first): chr1-216422015-AGCTACTGAG-A. GRCh37 (hg19) VCF-style: chr1-216595357-AGCTACTGAG-A.
Other names: c.313_321del, p.Leu105_Ser107del (NM_007123.6).
Identifiers: ClinVar variation 555694 (VCV000555694.4), dbSNP rs1396847135, ClinGen allele CA529004325.